The following is an entry in ClinVar:

ClinVar aggregate classification (germline): Uncertain significance. Review status: criteria provided, multiple submitters, no conflicts (2 of 4 stars). 3 submissions from 3 submitters: Uncertain significance (3). Last evaluated 2025-01-31.

Conditions:
Hereditary cancer-predisposing syndrome. Also called: Hereditary Cancer Syndrome; Hereditary neoplastic syndrome; Neoplastic Syndromes, Hereditary; Tumor predisposition. Identifiers: Orphanet 140162, MedGen C0027672, MeSH D009386, MONDO:0015356.
Hereditary diffuse gastric adenocarcinoma (HDGC). Also called: DIFFUSE GASTRIC AND LOBULAR BREAST CANCER SYNDROME. Identifiers: Orphanet 26106, MedGen C1708349, MONDO:0007648, OMIM 137215.

Submissions (3):

Ambry Genetics
Classification: Uncertain significance for Hereditary cancer-predisposing syndrome. Last evaluated: 2025-01-31. Review status: criteria provided, single submitter. Criteria: Ambry Variant Classification Scheme 2023. Collection method: clinical testing. Allele origin: germline.
Comment: The p.T61I variant (also known as c.182C>T), located in coding exon 3 of the CDH1 gene, results from a C to T substitution at nucleotide position 182. The threonine at codon 61 is replaced by isoleucine, an amino acid with similar properties. This variant was identified in 1 of 1528 breast cancer cases and 0 of 3733 unaffected controls (Dumont M et al. Cancers (Basel), 2022 Jul;14). This amino acid position is well conserved in available vertebrate species. In addition, this alteration is predicted to be tolerated by in silico analysis. Based on the available evidence, the clinical significance of this variant remains unclear.

Labcorp Genetics (formerly Invitae), Labcorp
Classification: Uncertain significance for Hereditary diffuse gastric adenocarcinoma. Last evaluated: 2022-05-24. Review status: criteria provided, single submitter. Criteria: Invitae Variant Classification Sherloc (09022015). Collection method: clinical testing. Allele origin: germline.
Comment: Algorithms developed to predict the effect of missense changes on protein structure and function are either unavailable or do not agree on the potential impact of this missense change (SIFT: "Tolerated"; PolyPhen-2: "Possibly Damaging"; Align-GVGD: "Class C0"). This sequence change replaces threonine, which is neutral and polar, with isoleucine, which is neutral and non-polar, at codon 61 of the CDH1 protein (p.Thr61Ile). This variant is not present in population databases (gnomAD no frequency). This variant has not been reported in the literature in individuals affected with CDH1-related conditions. ClinVar contains an entry for this variant (Variation ID: 1328918). In summary, the available evidence is currently insufficient to determine the role of this variant in disease. Therefore, it has been classified as a Variant of Uncertain Significance.

GeneDx
Classification: Uncertain significance. Last evaluated: 2021-06-16. Review status: criteria provided, single submitter. Criteria: GeneDx Variant Classification Process June 2021. Collection method: clinical testing. Allele origin: germline. Affected: yes.
Comment: Has not been previously published as pathogenic or benign to our knowledge; Not observed at significant frequency in large population cohorts (Lek 2016); In silico analysis supports that this missense variant has a deleterious effect on protein structure/function; This variant is associated with the following publications: (PMID: 28744403, 15235021, 27535533)

Literature cited by the submitters: PubMed 35884425 (cited by Ambry Genetics).

NM_004360.5(CDH1):c.182C>T (p.Thr61Ile)

Gene: CDH1 (cadherin 1; plus strand). Cytogenetic location: 16q22.1.
Variant type: single nucleotide variant.
Coding change: c.182C>T on transcript NM_004360.5 (MANE Select); coding-DNA position 182, C replaced by T.
Protein change: p.Thr61Ile; replaces threonine 61 with isoleucine.
Molecular consequence: missense variant. On other transcripts: 5 prime UTR variant (2).
Genome position (GRCh38, 1-based): chr16:68,801,688, C>T. VCF-style: chr16-68801688-C-T. GRCh37 (hg19) VCF-style: chr16-68835591-C-T.
Other names: c.182C>T, p.Thr61Ile (NM_001317184.2); c.-1434C>T (NM_001317185.2); c.-1638C>T (NM_001317186.2); short protein forms T61I.
Identifiers: ClinVar variation 1328918 (VCV001328918.7), dbSNP rs1597884542, ClinGen allele CA396457118.
Genomic context (GRCh38, chr16:68,801,688, plus strand): 5'-AATCTGTCCAATTTCCTAATCTCTGTGATTTCTGCCCTGCAGTGAATTTTGAAGATTGCA[C>T]CGGTCGACAAAGGACAGCCTATTTTTCCCTCGACACCCGATTCAAAGTGGGCACAGATGG-3'
Protein context (NP_004351.1, residues 51-71): VLGRVNFEDC[Thr61Ile]GRQRTAYFSL